The following is an entry in ClinVar:

ClinVar aggregate classification (germline): Benign/Likely benign. Review status: criteria provided, single submitter (1 of 4 stars). 2 submissions from 1 submitter: Benign (1); Likely benign (1). Last evaluated 2018-01-12.

Conditions:
MYH9-related disorder. Identifiers: MedGen C1854520.
Autosomal dominant nonsyndromic hearing loss 17. Also called: Autosomal dominant nonsyndromic deafness 17; Deafness, autosomal dominant 17. Identifiers: Orphanet 90635, MedGen C1863659, MONDO:0011350, OMIM 603622.

Allele frequency attached by ClinVar (database versions not stated): gnomAD 0.00026 and 0.00033; TOPMed 0.00029; gnomAD exomes 0.00045; 1000 Genomes Project 30x 0.00094; 1000 Genomes Project 0.00100.
gnomAD v4.1: 213 of 517,284 alleles (0.041%); highest among the groups gnomAD compares: East Asian, 0.47%; 2 homozygotes.

Submissions (2):

Illumina Laboratory Services, Illumina
Classification: Likely benign for Autosomal dominant nonsyndromic hearing loss 17. Last evaluated: 2018-01-12. Review status: criteria provided, single submitter. Criteria: ICSL Variant Classification Criteria 13 December 2019. Collection method: clinical testing. Allele origin: germline.
Comment: This variant was observed in the ICSL laboratory as part of a predisposition screen in an ostensibly healthy population. It had not been previously curated by ICSL or reported in the Human Gene Mutation Database (HGMD: prior to June 1st, 2018), and was therefore a candidate for classification through an automated scoring system. Utilizing variant allele frequency, disease prevalence and penetrance estimates, and inheritance mode, an automated score was calculated to assess if this variant is too frequent to cause the disease. Based on the score and internal cut-off values, a variant classified as likely benign is not then subjected to further curation. The score for this variant resulted in a classification of likely benign for this disease.

Illumina Laboratory Services, Illumina
Classification: Benign for MYH9-related disorder. Last evaluated: 2018-01-12. Review status: criteria provided, single submitter. Criteria: ICSL Variant Classification Criteria 13 December 2019. Collection method: clinical testing. Allele origin: germline.
Comment: This variant was observed in the ICSL laboratory as part of a predisposition screen in an ostensibly healthy population. It had not been previously curated by ICSL or reported in the Human Gene Mutation Database (HGMD: prior to June 1st, 2018), and was therefore a candidate for classification through an automated scoring system. Utilizing variant allele frequency, disease prevalence and penetrance estimates, and inheritance mode, an automated score was calculated to assess if this variant is too frequent to cause the disease. Based on the score and internal cut-off values, a variant classified as benign is not then subjected to further curation. The score for this variant resulted in a classification of benign for this disease.

NM_002473.6(MYH9):c.*325C>T

Gene: MYH9 (myosin heavy chain 9; minus strand). Cytogenetic location: 22q12.3.
Variant type: single nucleotide variant.
Coding change: c.*325C>T on transcript NM_002473.6 (MANE Select); 325 bases downstream of the stop codon, C replaced by T.
Molecular consequence: 3 prime UTR variant.
Genome position (GRCh38, 1-based): chr22:36,282,343, G>A on the plus strand (C>T on the coding strand, the complement: MYH9 is on the minus strand). VCF-style: chr22-36282343-G-A. GRCh37 (hg19) VCF-style: chr22-36678389-G-A.
Identifiers: ClinVar variation 900679 (VCV000900679.4), dbSNP rs189775203, ClinGen allele CA323584848.